The following is an entry in ClinVar:

ClinVar aggregate classification (germline): Uncertain significance (1 of 4 stars; one submission).

Conditions:
ADCY3-related disorder. Also called: ADCY3-related condition.

gnomAD v4.1: 3 of 1,614,078 alleles (0.00019%); highest among the groups gnomAD compares: African/African-American, 0.0013%; no homozygotes.

Submission:

PreventionGenetics, part of Exact Sciences
Classification: Uncertain significance for ADCY3-related condition. Last evaluated: 2026-06-15. Review status: criteria provided, single submitter. Criteria: ACMG Guidelines, 2015. Collection method: clinical testing. Allele origin: germline.
Comment: The ADCY3 c.2137A>G variant is predicted to result in the amino acid substitution p.Ile713Val. To our knowledge, this variant has not been reported in the literature or in a large population database, indicating this variant is rare. At this time, the clinical significance of this variant is uncertain due to the absence of conclusive functional and genetic evidence.

NM_004036.5(ADCY3):c.2137A>G (p.Ile713Val)

Gene: ADCY3 (adenylate cyclase 3; minus strand). Cytogenetic location: 2p23.3.
Variant type: single nucleotide variant.
Coding change: c.2137A>G on transcript NM_004036.5 (MANE Select); coding-DNA position 2137, A replaced by G.
Protein change: p.Ile713Val; replaces isoleucine 713 with valine.
Molecular consequence: missense variant.
Genome position (GRCh38, 1-based): chr2:24,830,744, T>C on the plus strand (A>G on the coding strand, the complement: ADCY3 is on the minus strand). VCF-style: chr2-24830744-T-C. GRCh37 (hg19) VCF-style: chr2-25053613-T-C.
Other names: c.2137A>G, p.Ile713Val (NM_001320613.2, NM_001377129.1, NM_001377130.1 and 1 more transcripts); c.2203A>G, p.Ile735Val (NM_001377128.1); c.1414A>G, p.Ile472Val (NM_001377131.1); short protein forms I472V, I713V, I735V.
Identifiers: ClinVar variation 4985132 (VCV004985132.1).
Genomic context (GRCh38, chr2:24,830,744, plus strand): 5'-TTCAACAAGGACAGCAGGAGCTCACCATGTCCACGACATTTGCCATCACCAGGATGAAGA[T>C]GGCGAGCATGGCCCAGGTGTTCCTGGCCCAGCGGGTCCGGTCAATCCAAGTTGAGAAGGC-3'
Protein context (NP_004027.2, residues 703-723): WARNTWAMLA[Ile713Val]FILVMANVVD